The following is an entry in ClinVar:

NM_001854.4(COL11A1):c.5055T>C (p.Asp1685=)

Genes: COL11A1 (collagen type XI alpha 1 chain; minus strand), LOC126805814 (P300/CBP strongly-dependent group 1 enhancer GRCh37_chr1:103344928-103346127; plus strand). Cytogenetic location: 1p21.1.
Variant type: single nucleotide variant.
Coding change: c.5055T>C on transcript NM_001854.4 (MANE Select); coding-DNA position 5055, T replaced by C.
Protein change: p.Asp1685=; no amino-acid change (aspartic acid 1685 retained).
Molecular consequence: synonymous variant. On other transcripts: non-coding transcript variant (1).
Genome position (GRCh38, 1-based): chr1:102,879,902, A>G on the plus strand (T>C on the coding strand, the complement: COL11A1 is on the minus strand). VCF-style: chr1-102879902-A-G. GRCh37 (hg19) VCF-style: chr1-103345458-A-G.
Other names: c.5055T>C (NM_001854.3); c.4707T>C, p.Asp1569= (NM_001168249.1, NM_080630.4); c.4938T>C, p.Asp1646= (NM_001190709.2); c.5091T>C, p.Asp1697= (NM_080629.3).
Identifiers: ClinVar variation 2851742 (VCV002851742.4), dbSNP rs2524163125, ClinGen allele CA419253501.

ClinVar aggregate classification (germline): Likely benign. Review status: criteria provided, multiple submitters, no conflicts (2 of 4 stars). 2 submissions from 2 submitters: Likely benign (2). Last evaluated 2024-10-31.

Conditions:
COL11A1-related disorder. Also called: COL11A1-related disorders; COL11A1-related condition.

Allele frequency attached by ClinVar (database versions not stated): gnomAD exomes below 0.00001.
gnomAD v4.1: 1 of 1,610,928 alleles (0.000062%); highest among the groups gnomAD compares: Non-Finnish European, 0.000085%; no homozygotes.

Submissions (2):

PreventionGenetics, part of Exact Sciences
Classification: Likely benign for COL11A1-related condition. Last evaluated: 2024-10-31. Review status: criteria provided, single submitter. Criteria: ACMG Guidelines, 2015. Collection method: clinical testing. Allele origin: germline.
Comment: This variant is classified as likely benign based on ACMG/AMP sequence variant interpretation guidelines (Richards et al. 2015 PMID: 25741868, with internal and published modifications).

Labcorp Genetics (formerly Invitae), Labcorp
Classification: Likely benign. Last evaluated: 2023-04-03. Review status: criteria provided, single submitter. Criteria: Invitae Variant Classification Sherloc (09022015). Collection method: clinical testing. Allele origin: germline.